The following is an entry in ClinVar:

NM_001849.4(COL6A2):c.1708G>A (p.Gly570Arg)

Gene: COL6A2 (collagen type VI alpha 2 chain; plus strand). Cytogenetic location: 21q22.3.
Variant type: single nucleotide variant.
Coding change: c.1708G>A on transcript NM_001849.4 (MANE Select); coding-DNA position 1708, G replaced by A.
Protein change: p.Gly570Arg; replaces glycine 570 with arginine.
Molecular consequence: missense variant.
Genome position (GRCh38, 1-based): chr21:46,124,687, G>A. VCF-style: chr21-46124687-G-A. GRCh37 (hg19) VCF-style: chr21-47544601-G-A.
Other names: c.1708G>A, p.Gly570Arg (NM_058174.3, NM_058175.3); short protein forms G570R.
Identifiers: ClinVar variation 4797292 (VCV004797292.1).

ClinVar aggregate classification (germline): Uncertain significance (1 of 4 stars; one submission).

Conditions:
Bethlem myopathy 1A. Also called: MYOPATHY, BENIGN CONGENITAL, WITH CONTRACTURES; Bethlem myopathy 1; Bethlem Muscular Dystrophy. Identifiers: Orphanet 610, MedGen CN029274, MONDO:0024530, OMIM 158810.

Submission:

Labcorp Genetics (formerly Invitae), Labcorp
Classification: Uncertain significance for Bethlem myopathy 1A. Last evaluated: 2025-06-30. Review status: criteria provided, single submitter. Criteria: Invitae Variant Classification Sherloc (09022015). Collection method: clinical testing. Allele origin: germline.
Comment: This sequence change replaces glycine, which is neutral and non-polar, with arginine, which is basic and polar, at codon 570 of the COL6A2 protein (p.Gly570Arg). This variant is not present in population databases (gnomAD no frequency). This variant has not been reported in the literature in individuals affected with COL6A2-related conditions. Invitae Evidence Modeling of protein sequence and biophysical properties (such as structural, functional, and spatial information, amino acid conservation, physicochemical variation, residue mobility, and thermodynamic stability) indicates that this missense variant is expected to disrupt COL6A2 protein function with a positive predictive value of 80%. This variant disrupts the triple helix domain of COL6A2. Glycine residues within the Gly-Xaa-Yaa repeats of the triple helix domain are required for the structure and stability of fibrillar collagens (PMID: 7695699, 8218237, 19344236). In COL6A2, missense variants at these glycine residues are significantly enriched in individuals with autosomal dominant disease (PMID: 15689448, 24038877) compared to the general population (ExAC). In summary, the available evidence is currently insufficient to determine the role of this variant in disease. Therefore, it has been classified as a Variant of Uncertain Significance.

Literature cited by the submitters: PubMed 7695699; PubMed 8218237; PubMed 19344236; PubMed 15689448; PubMed 24038877.